The following is an entry in ClinVar:

ClinVar aggregate classification (germline): Uncertain significance. Review status: criteria provided, multiple submitters, no conflicts (2 of 4 stars). 2 submissions from 2 submitters: Uncertain significance (2). Last evaluated 2025-04-29.

Conditions:
Multiple endocrine neoplasia, type 2 (MEN2). Identifiers: Orphanet 653, MedGen C4048306, MONDO:0019003. Disease mechanism: gain of function.

Submissions (2):

Labcorp Genetics (formerly Invitae), Labcorp
Classification: Uncertain significance for Multiple endocrine neoplasia, type 2. Last evaluated: 2025-04-29. Review status: criteria provided, single submitter. Criteria: Invitae Variant Classification Sherloc (09022015). Collection method: clinical testing. Allele origin: germline.
Comment: This sequence change falls in intron 10 of the RET gene. It does not directly change the encoded amino acid sequence of the RET protein. It affects a nucleotide within the consensus splice site. This variant is not present in population databases (gnomAD no frequency). This variant has not been reported in the literature in individuals affected with RET-related conditions. ClinVar contains an entry for this variant (Variation ID: 2027249). Variants that disrupt the consensus splice site are a relatively common cause of aberrant splicing (PMID: 17576681, 9536098). Algorithms developed to predict the effect of sequence changes on RNA splicing suggest that this variant is not likely to affect RNA splicing. In summary, the available evidence is currently insufficient to determine the role of this variant in disease. Therefore, it has been classified as a Variant of Uncertain Significance.

All of Us Research Program, National Institutes of Health
Classification: Uncertain significance for Multiple endocrine neoplasia, type 2. Last evaluated: 2024-08-13. Review status: criteria provided, single submitter. Criteria: ACMG Guidelines, 2015. Collection method: clinical testing. Allele origin: germline. Inheritance: Autosomal dominant inheritance. Observed: 1 variant allele, 1 heterozygote.
Comment: This variant causes a C to T nucleotide substitution at the -3 position of intron 10 of the RET gene. Splice site prediction tools suggest that this variant may not impact RNA splicing. To our knowledge, RNA studies have not been reported for this variant. This variant has not been reported in individuals affected with RET-related disorders in the literature. This variant has not been identified in the general population by the Genome Aggregation Database (gnomAD). The available evidence is insufficient to determine the role of this variant in disease conclusively. Therefore, this variant is classified as a Variant of Uncertain Significance.

This study involves interpretation of variants in research participants for the purpose of population health screening. Participant phenotype was not available at the time of variant classification. Additional details can be found in publication PMID: 35346344, PMCID: PMC8962531

Literature cited by the submitters: PubMed 17576681 (cited by Labcorp Genetics (formerly Invitae), Labcorp); PubMed 9536098 (cited by Labcorp Genetics (formerly Invitae), Labcorp).

NM_020975.6(RET):c.1880-3C>T

Gene: RET (ret proto-oncogene; plus strand). Cytogenetic location: 10q11.21.
Variant type: single nucleotide variant.
Coding change: c.1880-3C>T on transcript NM_020975.6 (MANE Select); 3 bases into the intron before coding-DNA position 1880, C replaced by T.
Molecular consequence: intron variant.
Genome position (GRCh38, 1-based): chr10:43,114,477, C>T. VCF-style: chr10-43114477-C-T. GRCh37 (hg19) VCF-style: chr10-43609925-C-T.
Other names: c.1880-3C>T (NM_020630.7, NM_001406743.1, NM_001406744.1 and 2 more transcripts); c.1880-138C>T (NM_001406765.1, NM_001406763.1); c.1484-3C>T (NM_001406772.1, NM_001406769.1); c.1442-3C>T (NM_001406773.1, NM_001406771.1); c.983-3C>T (NM_001406782.1, NM_001406780.1, NM_001406779.1 and 1 more transcripts); c.983-138C>T (NM_001406787.1); c.863-3C>T (NM_001406785.1); c.1751-3C>T (NM_001406764.1, NM_001406762.1, NM_001406761.1); and 10 more.
Identifiers: ClinVar variation 2027249 (VCV002027249.5), dbSNP rs2132842843, ClinGen allele CA2580081711.